The following is an entry in ClinVar:

ClinVar aggregate classification (germline): Likely benign (0 of 4 stars; one submission).

Conditions:
CHST3-related disorder. Also called: CHST3-related condition.

Submission:

PreventionGenetics, part of Exact Sciences
Classification: Likely benign for CHST3-related condition. Last evaluated: 2023-09-19. Review status: no assertion criteria provided. Collection method: clinical testing. Allele origin: germline.
Comment: This variant is classified as likely benign based on ACMG/AMP sequence variant interpretation guidelines (Richards et al. 2015 PMID: 25741868, with internal and published modifications).

NM_004273.5(CHST3):c.777G>A (p.Leu259=)

Gene: CHST3 (carbohydrate sulfotransferase 3; plus strand). Cytogenetic location: 10q22.1.
Variant type: single nucleotide variant.
Coding change: c.777G>A on transcript NM_004273.5 (MANE Select); coding-DNA position 777, G replaced by A.
Protein change: p.Leu259=; no amino-acid change (leucine 259 retained).
Molecular consequence: synonymous variant.
Genome position (GRCh38, 1-based): chr10:72,007,808, G>A. VCF-style: chr10-72007808-G-A. GRCh37 (hg19) VCF-style: chr10-73767566-G-A.
Identifiers: ClinVar variation 3030206 (VCV003030206.2), dbSNP rs2494770813, ClinGen allele CA470283870.